The following is an entry in ClinVar:

ClinVar aggregate classification (germline): Uncertain significance (1 of 4 stars; one submission).

Conditions:
Lethal congenital glycogen storage disease of heart. Also called: GLYCOGEN STORAGE DISEASE OF HEART; PHOSPHORYLASE KINASE DEFICIENCY OF HEART. Identifiers: Orphanet 439854, MedGen C1849813, MONDO:0009867, OMIM 261740.

Submission:

Labcorp Genetics (formerly Invitae), Labcorp
Classification: Uncertain significance for Lethal congenital glycogen storage disease of heart. Last evaluated: 2024-10-06. Review status: criteria provided, single submitter. Criteria: Invitae Variant Classification Sherloc (09022015). Collection method: clinical testing. Allele origin: germline.
Comment: This sequence change replaces glycine, which is neutral and non-polar, with serine, which is neutral and polar, at codon 18 of the PRKAG2 protein (p.Gly18Ser). This variant is not present in population databases (gnomAD no frequency). This variant has not been reported in the literature in individuals affected with PRKAG2-related conditions. Invitae Evidence Modeling of protein sequence and biophysical properties (such as structural, functional, and spatial information, amino acid conservation, physicochemical variation, residue mobility, and thermodynamic stability) indicates that this missense variant is not expected to disrupt PRKAG2 protein function with a negative predictive value of 95%. In summary, the available evidence is currently insufficient to determine the role of this variant in disease. Therefore, it has been classified as a Variant of Uncertain Significance.

NM_016203.4(PRKAG2):c.52G>A (p.Gly18Ser)

Gene: PRKAG2 (protein kinase AMP-activated non-catalytic subunit gamma 2; minus strand). Cytogenetic location: 7q36.1.
Variant type: single nucleotide variant.
Coding change: c.52G>A on transcript NM_016203.4 (MANE Select); coding-DNA position 52, G replaced by A.
Protein change: p.Gly18Ser; replaces glycine 18 with serine.
Molecular consequence: missense variant.
Genome position (GRCh38, 1-based): chr7:151,876,569, C>T on the plus strand (G>A on the coding strand, the complement: PRKAG2 is on the minus strand). VCF-style: chr7-151876569-C-T. GRCh37 (hg19) VCF-style: chr7-151573654-C-T.
Other names: c.52G>A, p.Gly18Ser (NM_001407021.1, NM_001407022.1, NM_001407023.1 and 2 more transcripts); short protein forms G18S.
Identifiers: ClinVar variation 3700611 (VCV003700611.2).